The following is an entry in ClinVar:

NM_002834.5(PTPN11):c.1382C>T (p.Ala461Val)

Gene: PTPN11 (protein tyrosine phosphatase non-receptor type 11; plus strand). Cytogenetic location: 12q24.13.
Variant type: single nucleotide variant.
Coding change: c.1382C>T on transcript NM_002834.5 (MANE Select); coding-DNA position 1382, C replaced by T.
Protein change: p.Ala461Val; replaces alanine 461 with valine.
Molecular consequence: missense variant.
Genome position (GRCh38, 1-based): chr12:112,488,445, C>T. VCF-style: chr12-112488445-C-T. GRCh37 (hg19) VCF-style: chr12-112926249-C-T.
Other names: c.1394C>T, p.Ala465Val (NM_001330437.2); c.1379C>T, p.Ala460Val (NM_001374625.1); short protein forms A460V, A461V, A465V.
Identifiers: ClinVar variation 1440650 (VCV001440650.8), dbSNP rs397509344, ClinGen allele CA386778105.

ClinVar aggregate classification (germline): Uncertain significance (1 of 4 stars; one submission).

Conditions:
RASopathy. Also called: rasopathies; Noonan spectrum disorder. Identifiers: Orphanet 536391, MedGen C5555857, MONDO:0021060.

Submission:

Labcorp Genetics (formerly Invitae), Labcorp
Classification: Uncertain significance for RASopathy. Last evaluated: 2022-03-03. Review status: criteria provided, single submitter. Criteria: Invitae Variant Classification Sherloc (09022015). Collection method: clinical testing. Allele origin: germline.
Comment: This variant is not present in population databases (gnomAD no frequency). This sequence change replaces alanine, which is neutral and non-polar, with valine, which is neutral and non-polar, at codon 461 of the PTPN11 protein (p.Ala461Val). This variant has not been reported in the literature in individuals affected with PTPN11-related conditions. In summary, the available evidence is currently insufficient to determine the role of this variant in disease. Therefore, it has been classified as a Variant of Uncertain Significance. This variant disrupts the p.Ala461 amino acid residue in PTPN11. Other variant(s) that disrupt this residue have been determined to be pathogenic (PMID: 15389709, 15470362, 16377799, 20493809, 23799168, 24935154). This suggests that this residue is clinically significant, and that variants that disrupt this residue are likely to be disease-causing. Algorithms developed to predict the effect of missense changes on protein structure and function (SIFT, PolyPhen-2, Align-GVGD) all suggest that this variant is likely to be disruptive.

Literature cited by the submitters: PubMed 15389709; PubMed 15470362; PubMed 16377799; PubMed 20493809; PubMed 23799168; PubMed 24935154.